The following is an entry in ClinVar:

NM_130839.5(UBE3A):c.-165+15G>C

Gene: UBE3A (ubiquitin protein ligase E3A; minus strand). Cytogenetic location: 15q11.2.
Variant type: single nucleotide variant.
Coding change: c.-165+15G>C on transcript NM_130839.5 (MANE Select); 15 bases into the intron after 165 bases upstream of the start codon, G replaced by C.
Molecular consequence: intron variant.
Genome position (GRCh38, 1-based): chr15:25,438,474, C>G on the plus strand (G>C on the coding strand, the complement: UBE3A is on the minus strand). VCF-style: chr15-25438474-C-G. GRCh37 (hg19) VCF-style: chr15-25683621-C-G.
Other names: c.-116+15G>C (NM_001354546.2); c.-41+15G>C (NM_001354551.2, NM_001354549.2, NM_001354548.2 and 1 more transcripts); c.-105+15G>C (NM_001354542.2); c.-165+15G>C (NM_001354550.2, NM_001354545.2); c.-338+15G>C (NM_001354523.2); c.-296+15G>C (NM_001354539.2); c.-371+15G>C (NM_001354511.2); c.-387+15G>C (NM_001354512.2); and 12 more.
Identifiers: ClinVar variation 378842 (VCV000378842.1), dbSNP rs555020457, ClinGen allele CA16607044.
Genomic context (GRCh38, chr15:25,438,474, plus strand): 5'-ACAGCGGGCCCCGAAGGCCGGCCGAGTGACGGAGGGGAGCCAGCGCCGCCTGGCGCAGGC[C>G]GCGGCAACACTGACCTGTCGTCGCCCCCGCGCCTGGGCTGCGGCGGCCGCCTCACTGGTC-3'

ClinVar aggregate classification (germline): Likely benign (1 of 4 stars; one submission).

Allele frequency attached by ClinVar (database versions not stated): gnomAD 0.00005; TOPMed 0.00011; 1000 Genomes Project 0.00020; 1000 Genomes Project 30x 0.00031.
gnomAD v4.1: 8 of 152,248 alleles (0.0053%); highest among the groups gnomAD compares: Admixed American, 0.046%; no homozygotes.

Submission:

GeneDx
Classification: Likely benign. Last evaluated: 2016-06-14. Review status: criteria provided, single submitter. Criteria: GeneDx Variant Classification (06012015). Collection method: clinical testing. Allele origin: germline. Affected: yes.
Comment: This variant is considered likely benign or benign based on one or more of the following criteria: it is a conservative change, it occurs at a poorly conserved position in the protein, it is predicted to be benign by multiple in silico algorithms, and/or has population frequency not consistent with disease.